The following is an entry in ClinVar:

ClinVar aggregate classification (germline): Uncertain significance (1 of 4 stars; one submission).

Conditions:
Symmetrical dyschromatosis of extremities (DSH). Also called: RETICULATE ACROPIGMENTATION OF DOHI; SYMMETRIC DYSCHROMATOSIS OF THE EXTREMITIES; DYSCHROMATOSIS SYMMETRICA HEREDITARIA 1; Dyschromatosis symmetrica hereditaria. Identifiers: Orphanet 41, MedGen C0406775, MONDO:0007483, OMIM 127400.
Aicardi-Goutieres syndrome 6 (AGS6). Identifiers: Orphanet 51, MedGen C3539013, MONDO:0014007, OMIM 615010.

Submission:

Labcorp Genetics (formerly Invitae), Labcorp
Classification: Uncertain significance for Aicardi-Goutieres syndrome 6; Symmetrical dyschromatosis of extremities. Last evaluated: 2024-01-24. Review status: criteria provided, single submitter. Criteria: Invitae Variant Classification Sherloc (09022015). Collection method: clinical testing. Allele origin: germline.
Comment: This sequence change replaces valine, which is neutral and non-polar, with glutamic acid, which is acidic and polar, at codon 260 of the ADAR protein (p.Val260Glu). This variant is not present in population databases (gnomAD no frequency). This variant has not been reported in the literature in individuals affected with ADAR-related conditions. Algorithms developed to predict the effect of missense changes on protein structure and function output the following: SIFT: "Not Available"; PolyPhen-2: "Not Available"; Align-GVGD: "Not Available". The glutamic acid amino acid residue is found in multiple mammalian species, which suggests that this missense change does not adversely affect protein function. In summary, the available evidence is currently insufficient to determine the role of this variant in disease. Therefore, it has been classified as a Variant of Uncertain Significance.

NM_001111.5(ADAR):c.779T>A (p.Val260Glu)

Gene: ADAR (adenosine deaminase RNA specific; minus strand). Cytogenetic location: 1q21.3.
Variant type: single nucleotide variant.
Coding change: c.779T>A on transcript NM_001111.5 (MANE Select); coding-DNA position 779, T replaced by A.
Protein change: p.Val260Glu; replaces valine 260 with glutamic acid.
Molecular consequence: missense variant. On other transcripts: 5 prime UTR variant (6).
Genome position (GRCh38, 1-based): chr1:154,601,863, A>T on the plus strand (T>A on the coding strand, the complement: ADAR is on the minus strand). VCF-style: chr1-154601863-A-T. GRCh37 (hg19) VCF-style: chr1-154574339-A-T.
Other names: c.-107T>A (NM_001025107.3, NM_001193495.2, NM_001365046.1 and 3 more transcripts); c.806T>A, p.Val269Glu (NM_001365045.1); c.779T>A, p.Val260Glu (NM_015840.4, NM_015841.4); short protein forms V269E, V260E.
Identifiers: ClinVar variation 2939380 (VCV002939380.3), dbSNP rs2526659169, ClinGen allele CA342600037.